The following is an entry in ClinVar:

NM_015102.5(NPHP4):c.3899G>A (p.Ser1300Asn)

Gene: NPHP4 (nephrocystin 4; minus strand). Cytogenetic location: 1p36.31.
Variant type: single nucleotide variant.
Coding change: c.3899G>A on transcript NM_015102.5 (MANE Select); coding-DNA position 3899, G replaced by A.
Protein change: p.Ser1300Asn; replaces serine 1300 with asparagine.
Molecular consequence: missense variant. On other transcripts: non-coding transcript variant (1).
Genome position (GRCh38, 1-based): chr1:5,864,435, C>T on the plus strand (G>A on the coding strand, the complement: NPHP4 is on the minus strand). VCF-style: chr1-5864435-C-T. GRCh37 (hg19) VCF-style: chr1-5924495-C-T.
Other names: p.Ser1300Asn; c.2360G>A, p.Ser787Asn (NM_001291593.2); c.2363G>A, p.Ser788Asn (NM_001291594.2); c.3899G>A (NM_015102.3); short protein forms S1300N, S788N, S787N.
Identifiers: ClinVar variation 594003 (VCV000594003.17), dbSNP rs115869141, ClinGen allele CA553422.

ClinVar aggregate classification (germline): Conflicting classifications of pathogenicity. Review status: criteria provided, conflicting classifications (1 of 4 stars). 7 submissions from 7 submitters: Uncertain significance (6); Benign (1). Last evaluated 2026-08-31.

Conditions:
Nephronophthisis 4 (NPHP4). Also called: NEPHRONOPHTHISIS 4, JUVENILE. Identifiers: Orphanet 655, MedGen C1847013, MONDO:0011752, OMIM 606966.
Senior-Loken syndrome 4 (SLSN4). Identifiers: Orphanet 3156, MedGen C1846979, MONDO:0011756, OMIM 606996.
NPHP4-related disorder. Also called: NPHP4-related disorders; NPHP4-related condition. Identifiers: MedGen CN239384.
Inborn genetic diseases. Identifiers: MedGen C0950123, MeSH D030342.
Nephronophthisis. Also called: Juvenile Nephronophthisis. Identifiers: Orphanet 655, MedGen C0687120, MONDO:0019005, HP:0000090.

Allele frequency attached by ClinVar (database versions not stated): TOPMed 0.00040; gnomAD 0.00042; ESP Exome Variant Server 0.00057; 1000 Genomes Project 0.00100; 1000 Genomes Project 30x 0.00109.
gnomAD v4.1: 120 of 1,609,102 alleles (0.0075%); highest among the groups gnomAD compares: African/African-American, 0.15%; no homozygotes.

Submissions (7):

PreventionGenetics, part of Exact Sciences
Classification: Uncertain significance for NPHP4-related condition. Last evaluated: 2026-08-31. Review status: criteria provided, single submitter. Criteria: ACMG Guidelines, 2015. Collection method: clinical testing. Allele origin: germline.
Comment: The NPHP4 c.3899G>A variant is predicted to result in the amino acid substitution p.Ser1300Asn. To our knowledge, this variant has not been reported in the literature. This variant is reported in 0.10% of alleles in individuals of African descent in gnomAD, which is likely too frequent for a disease-causing variant. Although we suspect that this variant may be benign, at this time, the clinical significance of this variant is uncertain due to the absence of conclusive functional and genetic evidence.

Ambry Genetics
Classification: Uncertain significance for Inborn genetic diseases. Last evaluated: 2025-08-14. Review status: criteria provided, single submitter. Criteria: Ambry Variant Classification Scheme 2023. Collection method: clinical testing. Allele origin: germline.

Labcorp Genetics (formerly Invitae), Labcorp
Classification: Uncertain significance for Nephronophthisis. Last evaluated: 2024-11-18. Review status: criteria provided, single submitter. Criteria: Invitae Variant Classification Sherloc (09022015). Collection method: clinical testing. Allele origin: germline.
Comment: This sequence change replaces serine, which is neutral and polar, with asparagine, which is neutral and polar, at codon 1300 of the NPHP4 protein (p.Ser1300Asn). This variant is present in population databases (rs115869141, gnomAD 0.1%). This variant has not been reported in the literature in individuals affected with NPHP4-related conditions. ClinVar contains an entry for this variant (Variation ID: 594003). Invitae Evidence Modeling of protein sequence and biophysical properties (such as structural, functional, and spatial information, amino acid conservation, physicochemical variation, residue mobility, and thermodynamic stability) indicates that this missense variant is not expected to disrupt NPHP4 protein function with a negative predictive value of 80%. In summary, the available evidence is currently insufficient to determine the role of this variant in disease. Therefore, it has been classified as a Variant of Uncertain Significance.

Fulgent Genetics
Classification: Uncertain significance for Nephronophthisis 4; Senior-Loken syndrome 4. Last evaluated: 2024-06-11. Review status: criteria provided, single submitter. Criteria: ACMG Guidelines, 2015. Collection method: clinical testing. Allele origin: germline.

Blueprint Genetics
Classification: Benign. Last evaluated: 2024-02-16. Review status: criteria provided, single submitter. Criteria: ACMG Guidelines, 2015. Collection method: clinical testing. Allele origin: germline.

Mayo Clinic Laboratories, Mayo Clinic
Classification: Uncertain significance. Last evaluated: 2023-07-21. Review status: criteria provided, single submitter. Criteria: ACMG Guidelines, 2015. Collection method: clinical testing. Allele origin: germline. Observed: 1 variant allele.
Comment: PM2_moderate

Eurofins Ntd Llc (ga)
Classification: Uncertain significance. Last evaluated: 2017-09-07. Review status: criteria provided, single submitter. Criteria: EGL Classification Definitions 2015. Collection method: clinical testing. Allele origin: germline. Observed: 2 variant alleles, 2 heterozygotes.